The following is an entry in ClinVar:

NM_000719.7(CACNA1C):c.2339+5C>A

Gene: CACNA1C (calcium voltage-gated channel subunit alpha1 C; plus strand). Cytogenetic location: 12p13.33.
Variant type: single nucleotide variant.
Coding change: c.2339+5C>A on transcript NM_000719.7 (MANE Select); 5 bases into the intron after coding-DNA position 2339, C replaced by A.
Molecular consequence: intron variant.
Genome position (GRCh38, 1-based): chr12:2,584,622, C>A. VCF-style: chr12-2584622-C-A. GRCh37 (hg19) VCF-style: chr12-2693788-C-A.
Other names: c.2339+5C>A (NM_001167624.3, NM_001167623.2, NM_001167625.2 and 18 more transcripts); c.2330+5C>A (NM_001129844.2).
Identifiers: ClinVar variation 1055892 (VCV001055892.12), dbSNP rs554086967, ClinGen allele CA6388940.

ClinVar aggregate classification (germline): Uncertain significance. Review status: criteria provided, multiple submitters, no conflicts (2 of 4 stars). 2 submissions from 2 submitters: Uncertain significance (2). Last evaluated 2021-02-25.

Conditions:
Long QT syndrome (LQTS). Identifiers: MedGen C0023976, MeSH D008133, MONDO:0002442. Disease mechanism: loss of function. Inheritance: Various modes of inheritance.
Cardiovascular phenotype. Identifiers: MedGen CN230736.

Allele frequency attached by ClinVar (database versions not stated): gnomAD exomes below 0.00001; ExAC 0.00001; gnomAD 0.00001; 1000 Genomes Project 30x 0.00016; 1000 Genomes Project 0.00020.
gnomAD v4.1: 2 of 1,596,058 alleles (0.00013%); highest among the groups gnomAD compares: African/African-American, 0.0013%; no homozygotes.

Submissions (2):

Labcorp Genetics (formerly Invitae), Labcorp
Classification: Uncertain significance for Long QT syndrome. Last evaluated: 2021-02-25. Review status: criteria provided, single submitter. Criteria: Invitae Variant Classification Sherloc (09022015). Collection method: clinical testing. Allele origin: germline.
Comment: In summary, the available evidence is currently insufficient to determine the role of this variant in disease. Therefore, it has been classified as a Variant of Uncertain Significance. Nucleotide substitutions within the consensus splice site are a relatively common cause of aberrant splicing (PMID: 17576681, 9536098). Algorithms developed to predict the effect of sequence changes on RNA splicing suggest that this variant is not likely to affect RNA splicing, but this prediction has not been confirmed by published transcriptional studies. This variant has not been reported in the literature in individuals with CACNA1C-related conditions. This variant is present in population databases (rs554086967, ExAC 0.01%). This sequence change falls in intron 16 of the CACNA1C gene. It does not directly change the encoded amino acid sequence of the CACNA1C protein, but it affects a nucleotide within the consensus splice site of the intron.

Ambry Genetics
Classification: Uncertain significance for Cardiovascular phenotype. Last evaluated: 2020-08-25. Review status: criteria provided, single submitter. Criteria: Ambry Variant Classification Scheme 2023. Collection method: clinical testing. Allele origin: germline.
Comment: The c.2339+5C>A intronic variant results from a C to A substitution 5 nucleotides after coding exon 16 in the CACNA1C gene. This nucleotide position is highly conserved in available vertebrate species. In silico splice site analysis predicts that this alteration will not have any significant effect on splicing. Since supporting evidence is limited at this time, the clinical significance of this alteration remains unclear.

Literature cited by the submitters: PubMed 17576681 (cited by Labcorp Genetics (formerly Invitae), Labcorp); PubMed 9536098 (cited by Labcorp Genetics (formerly Invitae), Labcorp).